The following is an entry in ClinVar:

ClinVar aggregate classification (germline): Likely benign (1 of 4 stars; one submission).

Submission:

CeGaT Center for Human Genetics Tuebingen
Classification: Likely benign. Last evaluated: 2023-06-01. Review status: criteria provided, single submitter. Criteria: CeGaT Center For Human Genetics Tuebingen Variant Classification Criteria Version 2. Collection method: clinical testing. Allele origin: germline. Affected: yes. Observed: 1 variant allele.
Comment: CHSY1: BS2

NM_014918.5(CHSY1):c.817-6450_817-6449insGGATGGAGGGTGCTCCATGGAGAGTGTTCACAGGGAAGGAGGATGGACGGTGCTCCATGGAGGGCGTTCACAGGGAAGGG

Gene: CHSY1 (chondroitin sulfate synthase 1; minus strand). Cytogenetic location: 15q26.3.
Variant type: Insertion.
Coding change: c.817-6450_817-6449insGGATGGAGGGTGCTCCATGGAGAGTGTTCACAGGGAAGGAGGATGGACGGTGCTCCATGGAGGGCGTTCACAGGGAAGGG on transcript NM_014918.5 (MANE Select); 6450 bases into the intron before coding-DNA position 817 through 6449 bases into the intron before coding-DNA position 817, GGATGGAGGGTGCTCCATGGAGAGTGTTCACAGGGAAGGAGGATGGACGGTGCTCCATGGAGGGCGTTCACAGGGAAGGG inserted.
Molecular consequence: intron variant.
Genome position: GRCh38: chr15:101,185,476-101,185,477. GRCh37 (hg19): chr15:101,725,681-101,725,682.
Identifiers: ClinVar variation 2645750 (VCV002645750.24), dbSNP rs1567087640, ClinGen allele CA620129836.